The following is an entry in ClinVar:

ClinVar aggregate classification (germline): Benign/Likely benign. Review status: criteria provided, multiple submitters, no conflicts (2 of 4 stars). 6 submissions from 6 submitters: Benign (2); Likely benign (4). Last evaluated 2026-01-17.

Conditions:
Autoinflammatory syndrome. Identifiers: Orphanet 93665, MedGen C3890737, MONDO:0019751.
Periodic fever-infantile enterocolitis-autoinflammatory syndrome. Also called: Autoinflammation with infantile enterocolitis. Identifiers: Orphanet 436166, MedGen C4015067, MONDO:0014472, OMIM 616050.
Familial cold autoinflammatory syndrome 4 (FCAS4). Identifiers: Orphanet 47045, Orphanet 576349, MedGen C4015276, MONDO:0014498, OMIM 616115.

Allele frequency attached by ClinVar (database versions not stated): gnomAD exomes 0.00090 and 0.00070; ESP Exome Variant Server 0.00054; gnomAD 0.00070 and 0.00074; TOPMed 0.00063; 1000 Genomes Project 30x 0.00016; 1000 Genomes Project 0.00020; ExAC 0.00078.
gnomAD v4.1: 1,390 of 1,614,168 alleles (0.086%); highest among the groups gnomAD compares: Non-Finnish European, 0.1%; 3 homozygotes.

Submissions (6):

Labcorp Genetics (formerly Invitae), Labcorp
Classification: Benign for Periodic fever-infantile enterocolitis-autoinflammatory syndrome; Familial cold autoinflammatory syndrome 4. Last evaluated: 2026-01-17. Review status: criteria provided, single submitter. Criteria: Invitae Variant Classification Sherloc (09022015). Collection method: clinical testing. Allele origin: germline.

Mayo Clinic Laboratories, Mayo Clinic
Classification: Likely benign. Last evaluated: 2025-03-14. Review status: criteria provided, single submitter. Criteria: ACMG Guidelines, 2015. Collection method: clinical testing. Allele origin: germline. Observed: 3 variant alleles.
Comment: BP4, BP7

Laboratory of Genetics, Children's Clinical University Hospital Latvia
Classification: Benign. Last evaluated: 2025-02-16. Review status: criteria provided, single submitter. Criteria: ACMG Guidelines, 2015. Collection method: clinical testing. Allele origin: germline. Affected: yes.

Blueprint Genetics
Classification: Likely benign. Last evaluated: 2024-10-16. Review status: criteria provided, single submitter. Criteria: ACMG Guidelines, 2015. Collection method: clinical testing. Allele origin: germline.

CeGaT Center for Human Genetics Tuebingen
Classification: Likely benign. Last evaluated: 2021-01-01. Review status: criteria provided, single submitter. Criteria: CeGaT Center For Human Genetics Tuebingen Variant Classification Criteria Version 2. Collection method: clinical testing. Allele origin: germline. Affected: yes. Observed: 1 variant allele.

Genome Diagnostics Laboratory, The Hospital for Sick Children
Classification: Likely benign for Autoinflammatory syndrome. Last evaluated: 2017-10-02. Review status: criteria provided, single submitter. Criteria: ACMG Guidelines, 2015. Collection method: clinical testing. Allele origin: germline. Affected: yes.

NM_001199138.2(NLRC4):c.1248G>A (p.Val416=)

Gene: NLRC4 (NLR family CARD domain containing 4; minus strand). Cytogenetic location: 2p22.3.
Variant type: single nucleotide variant.
Coding change: c.1248G>A on transcript NM_001199138.2 (MANE Select); coding-DNA position 1248, G replaced by A.
Protein change: p.Val416=; no amino-acid change (valine 416 retained).
Molecular consequence: synonymous variant. On other transcripts: intron variant (1).
Genome position (GRCh38, 1-based): chr2:32,250,616, C>T on the plus strand (G>A on the coding strand, the complement: NLRC4 is on the minus strand). VCF-style: chr2-32250616-C-T. GRCh37 (hg19) VCF-style: chr2-32475685-C-T.
Other names: p.Val416=; c.1248G>A, p.Val416= (NM_001199139.2, NM_021209.5); c.262+1803G>A (NM_001302504.1).
Identifiers: ClinVar variation 542054 (VCV000542054.53), dbSNP rs377140938, ClinGen allele CA1602018.
Genomic context (GRCh38, chr2:32,250,616, plus strand): 5'-CTTGAACCTTTGAGCTGTATATTTACAGAGGAGCCCAGTTGTCAGCAGGACATCCTCATT[C>T]ACGCTGGACACATCCTGCAGTTCGAAATCAAACTTGTGGGAGAACACACCCTCCAGAGCT-3'
Protein context (NP_001186067.1, residues 406-426): FDFELQDVSS[Val416=]NEDVLLTTGL